The following is an entry in ClinVar:

NM_013382.7(POMT2):c.1261C>T (p.Arg421Trp)

Gene: POMT2 (protein O-mannosyltransferase 2; minus strand). Cytogenetic location: 14q24.3.
Variant type: single nucleotide variant.
Coding change: c.1261C>T on transcript NM_013382.7 (MANE Select); coding-DNA position 1261, C replaced by T.
Protein change: p.Arg421Trp; replaces arginine 421 with tryptophan.
Molecular consequence: missense variant.
Genome position (GRCh38, 1-based): chr14:77,286,815, G>A on the plus strand (C>T on the coding strand, the complement: POMT2 is on the minus strand). VCF-style: chr14-77286815-G-A. GRCh37 (hg19) VCF-style: chr14-77753158-G-A.
Other names: short protein forms R421W.
Identifiers: ClinVar variation 162597 (VCV000162597.22), dbSNP rs727502855, ClinGen allele CA295434.

ClinVar aggregate classification (germline): Pathogenic/Likely pathogenic. Review status: criteria provided, multiple submitters, no conflicts (2 of 4 stars). 8 submissions from 8 submitters: Pathogenic (4); Likely pathogenic (4). Last evaluated 2025-04-21.

Conditions:
POMT2-related disorder. Also called: POMT2-related condition.
Autosomal recessive limb-girdle muscular dystrophy. Identifiers: Orphanet 102015, MedGen C2931907, MONDO:0015152.
Autosomal recessive limb-girdle muscular dystrophy type 2N. Also called: MUSCULAR DYSTROPHY-DYSTROGLYCANOPATHY, LIMB-GIRDLE, POMT2-RELATED; Muscular dystrophy-dystroglycanopathy (limb-girdle), type C, 2. Identifiers: Orphanet 206559, MedGen C3150418, MONDO:0013162, OMIM 613158.
Muscular dystrophy-dystroglycanopathy (congenital with brain and eye anomalies), type A2. Also called: MUSCULAR DYSTROPHY-DYSTROGLYCANOPATHY (CONGENITAL WITH BRAIN AND EYE ANOMALIES), TYPE A, 2; WALKER-WARBURG SYNDROME OR MUSCLE-EYE-BRAIN DISEASE, POMT2-RELATED. Identifiers: Orphanet 588, Orphanet 899, MedGen C3150411, MONDO:0013154, OMIM 613150.
Muscular dystrophy-dystroglycanopathy (congenital with impaired intellectual development), type B, 2. Also called: MUSCULAR DYSTROPHY, CONGENITAL, POMT2-RELATED; Muscular dystrophy-dystroglycanopathy (congenital with intellectual disability), type B2. Identifiers: MedGen C3150416, MONDO:0013160, OMIM 613156.

Allele frequency attached by ClinVar (database versions not stated): gnomAD 0.00002; TOPMed 0.00003.
gnomAD v4.1: 31 of 1,614,006 alleles (0.0019%); highest among the groups gnomAD compares: South Asian, 0.0099%; no homozygotes.

Submissions (8):

Labcorp Genetics (formerly Invitae), Labcorp
Classification: Pathogenic for Muscular dystrophy-dystroglycanopathy (congenital with impaired intellectual development), type B, 2; Muscular dystrophy-dystroglycanopathy (congenital with brain and eye anomalies), type A2; Autosomal recessive limb-girdle muscular dystrophy type 2N. Last evaluated: 2025-04-21. Review status: criteria provided, single submitter. Criteria: Invitae Variant Classification Sherloc (09022015). Collection method: clinical testing. Allele origin: germline.
Comment: This sequence change replaces arginine, which is basic and polar, with tryptophan, which is neutral and slightly polar, at codon 421 of the POMT2 protein (p.Arg421Trp). This variant is present in population databases (rs727502855, gnomAD 0.01%). This missense change has been observed in individual(s) with clinical features of POMT2-related conditions (PMID: 27854218, 30060766, 31127727, 33200426, 34413876, 40102912). ClinVar contains an entry for this variant (Variation ID: 162597). Invitae Evidence Modeling of protein sequence and biophysical properties (such as structural, functional, and spatial information, amino acid conservation, physicochemical variation, residue mobility, and thermodynamic stability) has been performed for this missense variant. However, the output from this modeling did not meet the statistical confidence thresholds required to predict the impact of this variant on POMT2 protein function. For these reasons, this variant has been classified as Pathogenic.

Revvity Omics, Revvity
Classification: Likely pathogenic. Last evaluated: 2024-10-01. Review status: criteria provided, single submitter. Criteria: ACMG Guidelines, 2015. Collection method: clinical testing. Allele origin: germline.

Blueprint Genetics
Classification: Pathogenic for POMT2-related disorders. Last evaluated: 2024-09-10. Review status: criteria provided, single submitter. Criteria: ACMG Guidelines, 2015. Collection method: clinical testing. Allele origin: germline. Affected: yes. Observed: 3 variant alleles.

Fulgent Genetics
Classification: Likely pathogenic for Muscular dystrophy-dystroglycanopathy (congenital with brain and eye anomalies), type A2; Muscular dystrophy-dystroglycanopathy (congenital with impaired intellectual development), type B, 2; Autosomal recessive limb-girdle muscular dystrophy type 2N. Last evaluated: 2024-06-04. Review status: criteria provided, single submitter. Criteria: ACMG Guidelines, 2015. Collection method: clinical testing. Allele origin: germline.

Baylor Genetics
Classification: Pathogenic for Muscular dystrophy-dystroglycanopathy (congenital with brain and eye anomalies), type A2. Last evaluated: 2024-03-13. Review status: criteria provided, single submitter. Criteria: ACMG Guidelines, 2015. Collection method: clinical testing. Allele origin: unknown.

Women's Health and Genetics/Laboratory Corporation of America, LabCorp
Classification: Likely pathogenic for Autosomal recessive limb-girdle muscular dystrophy. Last evaluated: 2021-09-21. Review status: criteria provided, single submitter. Criteria: LabCorp Variant Classification Summary - May 2015. Collection method: clinical testing. Allele origin: germline.
Comment: Variant summary: POMT2 c.1261C>T (p.Arg421Trp) results in a non-conservative amino acid change located in the MIR motif domain (IPR016093) of the encoded protein sequence. Five of five in-silico tools predict a damaging effect of the variant on protein function. The variant allele was found at a frequency of 2.4e-05 in 251482 control chromosomes. c.1261C>T has been reported in the literature as a compound heterozygous genotype in comprehensively genotyped (WES/panel based analysis) and well phenotyped set of individuals affected with Autosomal Recessive Limb-Girdle Muscular Dystrophy and has been subsequently cited by others (example, Johnson_2018, Ostergaard_2018, Topf_2020, Song_2021). These data indicate that the variant is likely to be associated with disease. To our knowledge, no experimental evidence demonstrating an impact on protein function has been reported. Three clinical diagnostic laboratories have submitted clinical-significance assessments for this variant to ClinVar after 2014 without evidence for independent evaluation. All laboratories classified the variant as pathogenic/likely pathogenic. Based on the evidence outlined above, the variant was classified as likely pathogenic.

Broad Center for Mendelian Genomics, Broad Institute of MIT and Harvard
Classification: Likely pathogenic for Autosomal recessive limb-girdle muscular dystrophy type 2N. Last evaluated: 2018-12-03. Review status: criteria provided, single submitter. Criteria: ACMG Guidelines, 2015. Collection method: research. Allele origin: germline. Inheritance: Autosomal recessive inheritance. Affected: yes.
Comment: The heterozygous p.Arg421Trp variant in POMT2 was identified by our study in the compound heterozygous state, with a likely pathogenic variant, in two siblings with limb-girdle muscular dystrophy (LGMD). Computational prediction tools and conservation analyses suggest that this variant may impact the protein, though this information is not predictive enough to determine pathogenicity. This variant has been identified in 0.01299% (4/30782) of South Asian chromosomes by the Genome Aggregation Database (gnomAD; dbSNP rs727502855). Although this variant has been seen in the general population, its frequency is low enough to be consistent with a recessive carrier frequency. This variant has also been reported pathogenic by OMIM in ClinVar (Variation ID: 424827). The presence of this variant in combination with a likely pathogenic variant (described earlier) and a frameshift variant (reported in the literature) in 3 individuals with LGMD increases the likelihood that the p.Arg421Trp variant is pathogenic (PMID: 27854218). In summary, although additional studies are required to fully establish its clinical significance, this variant is likely pathogenic. ACMG/AMP Criteria applied: PM2, PP1, PP3, PM3 (Richards 2015).

Eurofins Ntd Llc (ga)
Classification: Pathogenic. Last evaluated: 2018-02-14. Review status: criteria provided, single submitter. Criteria: EGL ClinVar v180209 classification definitions. Collection method: clinical testing. Allele origin: germline. Observed: 4 variant alleles, 3 heterozygotes, 1 homozygote.

Literature cited by the submitters: PubMed 27854218 (cited by Labcorp Genetics (formerly Invitae), Labcorp and Broad Center for Mendelian Genomics, Broad Institute of MIT and Harvard); PubMed 30060766 (cited by Labcorp Genetics (formerly Invitae), Labcorp and Women's Health and Genetics/Laboratory Corporation of America, LabCorp); PubMed 31127727 (cited by Labcorp Genetics (formerly Invitae), Labcorp); PubMed 33200426 (cited by Labcorp Genetics (formerly Invitae), Labcorp and Women's Health and Genetics/Laboratory Corporation of America, LabCorp); PubMed 34413876 (cited by Labcorp Genetics (formerly Invitae), Labcorp); PubMed 40102912 (cited by Labcorp Genetics (formerly Invitae), Labcorp); PubMed 29175898 (cited by Women's Health and Genetics/Laboratory Corporation of America, LabCorp); PubMed 32528171 (cited by Women's Health and Genetics/Laboratory Corporation of America, LabCorp).